The following is an entry in ClinVar:

NM_000406.3(GNRHR):c.30T>A (p.Asn10Lys)

Gene: GNRHR (gonadotropin releasing hormone receptor; minus strand). Cytogenetic location: 4q13.2.
Variant type: single nucleotide variant.
Coding change: c.30T>A on transcript NM_000406.3 (MANE Select); coding-DNA position 30, T replaced by A.
Protein change: p.Asn10Lys; replaces asparagine 10 with lysine.
Molecular consequence: missense variant.
Genome position (GRCh38, 1-based): chr4:67,754,306, A>T on the plus strand (T>A on the coding strand, the complement: GNRHR is on the minus strand). VCF-style: chr4-67754306-A-T. GRCh37 (hg19) VCF-style: chr4-68620024-A-T.
Other names: c.30T>A, p.Asn10Lys (NM_001012763.2); short protein forms N10K.
Identifiers: ClinVar variation 16031 (VCV000016031.8), dbSNP rs104893843, ClinGen allele CA130208.

ClinVar aggregate classification (germline): Pathogenic/Likely pathogenic. Review status: criteria provided, multiple submitters, no conflicts (2 of 4 stars). 5 submissions from 5 submitters: Pathogenic (1); Likely pathogenic (3). 1 of the submissions does not count toward it. Last evaluated 2025-02-18.

Conditions:
Isolated GnRH Deficiency.
Hypogonadotropic hypogonadism 7 with or without anosmia (HH7). Also called: HYPOGONADOTROPIC HYPOGONADISM 7 WITHOUT ANOSMIA; GNRHR-Related GnRH Deficiency. Identifiers: Orphanet 432, MedGen C0342384, MONDO:0007794, OMIM 146110.

Allele frequency attached by ClinVar (database versions not stated): gnomAD 0.00006; TOPMed 0.00008; ExAC 0.00018; gnomAD exomes 0.00013.

Submissions (5):

Dasa
Classification: Pathogenic. Last evaluated: 2025-02-18. Review status: criteria provided, single submitter. Criteria: DASA Assertion Criteria. Collection method: clinical testing. Allele origin: germline.
Comment: NM_000406.3(GNRHR):c.30T>A (p.Asn10Lys) introduces an asparagine to lysine substitution in the extracellular N-terminal region of the receptor. Functional and clinical data support a deleterious effect when present in recessive states, and the variant has been recurrently observed in individuals with hypogonadotropic hypogonadism (PMID-supported ClinVar submissions). Additionally, it is present at low frequency in population datasets. Based on the available data, this variant is classified as pathogenic.

Genomic Medicine Center of Excellence, King Faisal Specialist Hospital and Research Centre
Classification: Likely pathogenic for Hypogonadotropic hypogonadism 7 with or without anosmia. Last evaluated: 2024-03-29. Review status: criteria provided, single submitter. Criteria: ACMG Guidelines, 2015. Collection method: clinical testing. Allele origin: germline.

Women's Health and Genetics/Laboratory Corporation of America, LabCorp
Classification: Likely pathogenic for Hypogonadotropic hypogonadism 7 with or without anosmia. Last evaluated: 2023-08-14. Review status: criteria provided, single submitter. Criteria: LabCorp Variant Classification Summary - May 2015. Collection method: clinical testing. Allele origin: germline.
Comment: Variant summary: GNRHR c.30T>A (p.Asn10Lys) results in a non-conservative amino acid change in the encoded protein sequence. Four of five in-silico tools predict a benign effect of the variant on protein function. The variant allele was found at a frequency of 0.00013 in 247756 control chromosomes (i.e., 32 heterozygotes and no homozygotes; gnomAD v2.1 Exomes dataset). The available data on variant occurrences in the general population are insufficient to allow any conclusion about variant significance. c.30T>A has been reported in the literature in individuals at least four compound heterozygous siblings from a single family with partial hypogonadotropic hypogonadism (e.g., Costa_2001), and the variant was shown to segregate with disease. These data indicate that the variant is likely to be associated with disease. Additionally, the variant of interest has also been identified in cis with p.Gln11Lys in at least two compound heterozygous patients affected with hypogonadotropic hypogonadism (in trans with p.Pro320Leu, PMIDs: 15240592, 22745237, 20696889, 23643382; in trans with p.Tyr283His, PMID: 31200363) and in another heterozygous patient that also harbored WDR11 variant p.Arg448Trp (PMID: 29419413). At least two publications report experimental evidence evaluating an impact on protein function, finding that the variant leads to a two-fold reduction in ligand binding affinity in vitro (e.g., Costa_2001, Leanos-Miranda_2002). The following publications have been ascertained in the context of this evaluation (PMID: 11397871, 12364481, 20696889). One submitter has reported clinical-significance assessments for this variant to ClinVar after 2014 and has classified the variant as likely pathogenic. Based on the evidence outlined above, the variant was classified as likely pathogenic.

Illumina Laboratory Services, Illumina
Classification: Likely pathogenic for Isolated GnRH Deficiency. Last evaluated: 2016-06-14. Review status: criteria provided, single submitter. Criteria: ICSL Variant Classification 20161018. Collection method: clinical testing. Allele origin: germline.
Comment: The c.30T>A (p.Asn10Lys) variant has been reported as part of a complex allele with the c.31C>A (p.Gln11Lys) variant, p.[Asn10Lys;Gln11Lys], in cis in six studies in which the complex allele is found in trans with a missense variant in a compound heterozygous state in at least eight isolated GnRH deficiency patients (Costa et al. 2001; Meysing et al. 2004; Gianetti et al. 2012; Benduzzi et al. 2012; Abel et al. 2013; Benduzzi et al. 2014). The p.[Asn10Lys;Gln11Lys] complex allele has also been reported in a heterozygous state in at least four unaffected family members (Meysing et al. 2004; Gianetti et al. 2012; Benduzzi et al. 2012). The c.31C>A (p.Gln11Lys) variant has also been reported in two individuals who also carry two other missense variants whose genotype was not provided (Sykiotis et al. 2010; Miraoui et al. 2013). The p.Asn10Lys variant has also been reported in one study in which it was found in a compound heterozygous state with the p.Gln11Lys variant in two individuals (Gurbuz et al. 2012). The complex allele has been reported to be absent from 552 controls (Gianetti et al. 2012; Benduzzi et al. 2012), and each individual variant of the complex allele is reported at a frequency of 0.00029 in the European (Non-Finnish) population of the Exome Aggregation Consortium. Functional studies in COS-7 cells demonstrated that the p.[Asn10Lys;Gln11Lys] allele resulted in reduced cell surface expression, reduced efficacy of coupling of GnRHR to intracellular signalling pathways, and significantly reduced ligand binding (Meysing et al. 2004). The presence of a double allele complicates the classification of any individual variant. Based on the evidence, the p.[Asn10Lys;Gln11Lys] allele is classified as likely pathogenic for isolated GnRH deficiency while the single c.30T>A (p.Asn10Lys) variant when found alone is classified as a variant of unknown significance for isolated GnRH deficiency.

OMIM
Classification: Pathogenic for HYPOGONADOTROPIC HYPOGONADISM 7 WITHOUT ANOSMIA. Last evaluated: 2001-06-01. Review status: no assertion criteria provided. Collection method: literature only. Allele origin: germline. Not counted in ClinVar's aggregate classification.

Literature cited by the submitters: PubMed 12364481 (cited by Women's Health and Genetics/Laboratory Corporation of America, LabCorp and Illumina Laboratory Services, Illumina); PubMed 11397871 (cited by 3 submitters); PubMed 20696889 (cited by Women's Health and Genetics/Laboratory Corporation of America, LabCorp and Illumina Laboratory Services, Illumina); PubMed 22745237 (cited by Illumina Laboratory Services, Illumina); PubMed 15728205 (cited by Illumina Laboratory Services, Illumina); PubMed 9371856 (cited by Illumina Laboratory Services, Illumina and OMIM); PubMed 15240592 (cited by Illumina Laboratory Services, Illumina); PubMed 23295295 (cited by Illumina Laboratory Services, Illumina); PubMed 20389088 (cited by Illumina Laboratory Services, Illumina); PubMed 23341491 (cited by Illumina Laboratory Services, Illumina); PubMed 16213849 (cited by Illumina Laboratory Services, Illumina); PubMed 12606630 (cited by Illumina Laboratory Services, Illumina); PubMed 23643382 (cited by Illumina Laboratory Services, Illumina); PubMed 22766261 (cited by Illumina Laboratory Services, Illumina); PubMed 25016926 (cited by Illumina Laboratory Services, Illumina).